The following is an entry in ClinVar:

NM_001378418.1(TCF20):c.3404C>G (p.Pro1135Arg)

Gene: TCF20 (transcription factor 20; minus strand). Cytogenetic location: 22q13.2.
Variant type: single nucleotide variant.
Coding change: c.3404C>G on transcript NM_001378418.1 (MANE Select); coding-DNA position 3404, C replaced by G.
Protein change: p.Pro1135Arg; replaces proline 1135 with arginine.
Molecular consequence: missense variant.
Genome position (GRCh38, 1-based): chr22:42,211,902, G>C on the plus strand (C>G on the coding strand, the complement: TCF20 is on the minus strand). VCF-style: chr22-42211902-G-C. GRCh37 (hg19) VCF-style: chr22-42607908-G-C.
Other names: c.3404C>G, p.Pro1135Arg (NM_005650.4, NM_181492.3); short protein forms P1135R.
Identifiers: ClinVar variation 4883772 (VCV004883772.2).

ClinVar aggregate classification (germline): Uncertain significance (1 of 4 stars; one submission).

Submission:

Dasa
Classification: Uncertain significance. Last evaluated: 2024-08-02. Review status: criteria provided, single submitter. Criteria: DASA Assertion Criteria. Collection method: clinical testing. Allele origin: germline.
Comment: NM_001378418.1(TCF20):c.3404C>G (p.Pro1135Arg) is a missense variant that results in the substitution of proline with arginine. This variant is absent from population databases. Computational prediction algorithms are consistent with a benign effect. The currently available literature and clinical evidence are not sufficient to establish a definitive association between this variant and the reported condition. Therefore, this variant is classified as a variant of uncertain significance.